The following is an entry in ClinVar:

NM_032242.4(PLXNA1):c.4483C>T (p.Arg1495Trp)

Gene: PLXNA1 (plexin A1; plus strand). Cytogenetic location: 3q21.3.
Variant type: single nucleotide variant.
Coding change: c.4483C>T on transcript NM_032242.4 (MANE Select); coding-DNA position 4483, C replaced by T.
Protein change: p.Arg1495Trp; replaces arginine 1495 with tryptophan.
Molecular consequence: missense variant.
Genome position (GRCh38, 1-based): chr3:127,028,060, C>T. VCF-style: chr3-127028060-C-T. GRCh37 (hg19) VCF-style: chr3-126746903-C-T.
Other names: short protein forms R1495W.
Identifiers: ClinVar variation 867243 (VCV000867243.4), dbSNP rs2079185551, ClinGen allele CA354399109.

ClinVar aggregate classification (germline): Uncertain significance. Review status: criteria provided, single submitter (1 of 4 stars). 2 submissions from 2 submitters: Uncertain significance (1). 1 of the submissions does not count toward it. Last evaluated 2026-09-14.

Conditions:
PLXNA1-related disorder. Also called: PLXNA1-related condition.
Neurodevelopmental disorder. Identifiers: MedGen C1535926, MeSH D065886, MONDO:0700092.

Allele frequency attached by ClinVar (database versions not stated): gnomAD exomes below 0.00001; TOPMed below 0.00001; gnomAD 0.00001.
gnomAD v4.1: 10 of 1,613,916 alleles (0.00062%); highest among the groups gnomAD compares: Non-Finnish European, 0.00059%; no homozygotes.

Submissions (2):

PreventionGenetics, part of Exact Sciences
Classification: Uncertain significance for PLXNA1-related condition. Last evaluated: 2026-09-14. Review status: criteria provided, single submitter. Criteria: ACMG Guidelines, 2015. Collection method: clinical testing. Allele origin: germline.
Comment: The PLXNA1 c.4483C>T variant is predicted to result in the amino acid substitution p.Arg1495Trp. This variant has been reported to be de novo in an individual with a neurodevelopmental disorder which included hearing loss and ocular, craniofacial, brain, and heart anomalies (Dworschak et al. 2021. PubMed ID: 34054129). This variant has not been reported in a large population database (gnomAD), indicating this variant is rare. At this time, the clinical significance of this variant is uncertain due to the absence of conclusive functional and genetic evidence.

Lupski Lab, Baylor-Hopkins CMG, Baylor College of Medicine
Classification: Likely pathogenic for Neurodevelopmental disorder. Last evaluated: 2019-11-30. Review status: no assertion criteria provided. Collection method: research. Allele origin: de novo. Inheritance: Autosomal dominant inheritance. Affected: yes. Observed: 1 heterozygote. Not counted in ClinVar's aggregate classification.